The following is an entry in ClinVar:

ClinVar aggregate classification (germline): Pathogenic (1 of 4 stars; one submission).

Submission:

Labcorp Genetics (formerly Invitae), Labcorp
Classification: Pathogenic. Last evaluated: 2022-09-08. Review status: criteria provided, single submitter. Criteria: Invitae Variant Classification Sherloc (09022015). Collection method: clinical testing. Allele origin: germline.
Comment: For these reasons, this variant has been classified as Pathogenic. Algorithms developed to predict the effect of sequence changes on RNA splicing suggest that this variant may disrupt the consensus splice site. ClinVar contains an entry for this variant (Variation ID: 1413207). This variant has not been reported in the literature in individuals affected with SPTA1-related conditions. This variant is not present in population databases (gnomAD no frequency). This sequence change creates a premature translational stop signal (p.Asp489Serfs*7) in the SPTA1 gene. It is expected to result in an absent or disrupted protein product. Loss-of-function variants in SPTA1 are known to be pathogenic (PMID: 9192783, 18815189, 31333484, 31723846, 32266426).

Literature cited by the submitters: PubMed 9192783; PubMed 18815189; PubMed 31333484; PubMed 31723846; PubMed 32266426.

NM_003126.4(SPTA1):c.1460_1463dup (p.Asp489fs)

Gene: SPTA1 (spectrin alpha, erythrocytic 1; minus strand). Cytogenetic location: 1q23.1.
Variant type: Duplication.
Coding change: c.1460_1463dup on transcript NM_003126.4 (MANE Select); coding-DNA positions 1460 to 1463, 4 bases duplicated (AAGT; older notation c.1460_1463dupAAGT).
Protein change: p.Asp489fs; shifts the reading frame from aspartic acid 489.
Molecular consequence: frameshift variant.
Genome position (GRCh38, 1-based): chr1:158,672,084-158,672,087, ACTT duplicated on the plus strand (AAGT on the coding strand, the reverse complement: SPTA1 is on the minus strand). VCF-style (leftmost placement, unchanged base first): chr1-158672083-C-CACTT. GRCh37 (hg19) VCF-style: chr1-158641873-C-CACTT.
Other names: short protein forms D489fs.
Identifiers: ClinVar variation 1413207 (VCV001413207.6), dbSNP rs2101916656, ClinGen allele CA2573131202.